The following is an entry in ClinVar:

ClinVar aggregate classification (germline): Uncertain significance (1 of 4 stars; one submission).

Conditions:
Symmetrical dyschromatosis of extremities (DSH). Also called: RETICULATE ACROPIGMENTATION OF DOHI; SYMMETRIC DYSCHROMATOSIS OF THE EXTREMITIES; Dyschromatosis symmetrica hereditaria; DYSCHROMATOSIS SYMMETRICA HEREDITARIA 1. Identifiers: Orphanet 41, MedGen C0406775, MONDO:0007483, OMIM 127400.
Aicardi-Goutieres syndrome 6 (AGS6). Identifiers: Orphanet 51, MedGen C3539013, MONDO:0014007, OMIM 615010.

Allele frequency attached by ClinVar (database versions not stated): gnomAD exomes below 0.00001.
gnomAD v4.1: 2 of 1,614,158 alleles (0.00012%); highest among the groups gnomAD compares: Non-Finnish European, 0.00017%; no homozygotes.

Submission:

Labcorp Genetics (formerly Invitae), Labcorp
Classification: Uncertain significance for Aicardi-Goutieres syndrome 6; Symmetrical dyschromatosis of extremities. Last evaluated: 2022-02-20. Review status: criteria provided, single submitter. Criteria: Invitae Variant Classification Sherloc (09022015). Collection method: clinical testing. Allele origin: germline.
Comment: In summary, the available evidence is currently insufficient to determine the role of this variant in disease. Therefore, it has been classified as a Variant of Uncertain Significance. Algorithms developed to predict the effect of sequence changes on RNA splicing suggest that this variant may disrupt the consensus splice site. This variant has not been reported in the literature in individuals affected with ADAR-related conditions. This variant is not present in population databases (gnomAD no frequency). This sequence change falls in intron 5 of the ADAR gene. It does not directly change the encoded amino acid sequence of the ADAR protein.

NM_001111.5(ADAR):c.2080-6C>T

Gene: ADAR (adenosine deaminase RNA specific; minus strand). Cytogenetic location: 1q21.3.
Variant type: single nucleotide variant.
Coding change: c.2080-6C>T on transcript NM_001111.5 (MANE Select); 6 bases into the intron before coding-DNA position 2080, C replaced by T.
Molecular consequence: intron variant.
Genome position (GRCh38, 1-based): chr1:154,597,001, G>A on the plus strand (C>T on the coding strand, the complement: ADAR is on the minus strand). VCF-style: chr1-154597001-G-A. GRCh37 (hg19) VCF-style: chr1-154569477-G-A.
Other names: c.1195-6C>T (NM_001365046.1, NM_001025107.3, NM_001365048.1 and 3 more transcripts); c.2107-6C>T (NM_001365045.1); c.2080-63C>T (NM_015841.4); c.2080-6C>T (NM_015840.4).
Identifiers: ClinVar variation 2100462 (VCV002100462.4), dbSNP rs2526591364, ClinGen allele CA2580061134.